The following is an entry in ClinVar:

ClinVar aggregate classification (germline): Likely benign. Review status: criteria provided, multiple submitters, no conflicts (2 of 4 stars). 5 submissions from 5 submitters: Likely benign (4). 1 of the submissions does not count toward it. Last evaluated 2025-12-19.

Conditions:
Cardiovascular phenotype. Identifiers: MedGen CN230736.
TTN-related disorder. Also called: TTN-related condition; TTN-related disease; TTN-related disorders.
Autosomal recessive limb-girdle muscular dystrophy type 2J (LGMDR10). Also called: Limb-girdle muscular dystrophy, type 2J; MUSCULAR DYSTROPHY, LIMB-GIRDLE, AUTOSOMAL RECESSIVE 10. Identifiers: Orphanet 140922, MedGen C1837342, MONDO:0012127, OMIM 608807.
Dilated cardiomyopathy 1G (CMD1G). Identifiers: Orphanet 154, MedGen C1858763, MONDO:0011400, OMIM 604145.

Allele frequency attached by ClinVar (database versions not stated): gnomAD 0.00001; TOPMed 0.00002.
gnomAD v4.1: 35 of 1,613,730 alleles (0.0022%); highest among the groups gnomAD compares: South Asian, 0.011%; no homozygotes.

Submissions (5):

Labcorp Genetics (formerly Invitae), Labcorp
Classification: Likely benign for Dilated cardiomyopathy 1G; Autosomal recessive limb-girdle muscular dystrophy type 2J. Last evaluated: 2025-12-19. Review status: criteria provided, single submitter. Criteria: Invitae Variant Classification Sherloc (09022015). Collection method: clinical testing. Allele origin: germline.

Ambry Genetics
Classification: Likely benign for Cardiovascular phenotype. Last evaluated: 2024-04-04. Review status: criteria provided, single submitter. Criteria: Ambry Variant Classification Scheme 2023. Collection method: clinical testing. Allele origin: germline.

Blueprint Genetics
Classification: Likely benign. Last evaluated: 2023-12-20. Review status: criteria provided, single submitter. Criteria: ACMG Guidelines, 2015. Collection method: clinical testing. Allele origin: germline.

GeneDx
Classification: Likely benign. Last evaluated: 2021-05-20. Review status: criteria provided, single submitter. Criteria: GeneDx Variant Classification Process June 2021. Collection method: clinical testing. Allele origin: germline. Affected: yes.

PreventionGenetics, part of Exact Sciences
Classification: Likely benign for TTN-related condition. Last evaluated: 2019-03-25. Review status: no assertion criteria provided. Collection method: clinical testing. Allele origin: germline. Not counted in ClinVar's aggregate classification.
Comment: This variant is classified as likely benign based on ACMG/AMP sequence variant interpretation guidelines (Richards et al. 2015 PMID: 25741868, with internal and published modifications).

NM_001267550.2(TTN):c.97926A>T (p.Val32642=)

Genes: TTN (titin; minus strand), TTN-AS1 (TTN antisense RNA 1; plus strand). Cytogenetic location: 2q31.2.
Variant type: single nucleotide variant.
Coding change: c.97926A>T on transcript NM_001267550.2 (MANE Select); coding-DNA position 97926, A replaced by T.
Protein change: p.Val32642=; no amino-acid change (valine 32642 retained).
Molecular consequence: synonymous variant.
Genome position (GRCh38, 1-based): chr2:178,540,240, T>A on the plus strand (A>T on the coding strand, the complement: TTN is on the minus strand). VCF-style: chr2-178540240-T-A. GRCh37 (hg19) VCF-style: chr2-179404967-T-A.
Other names: c.93003A>T, p.Val31001= (NM_001256850.1); c.70731A>T, p.Val23577= (NM_003319.4); c.90222A>T, p.Val30074= (NM_133378.4); c.71106A>T, p.Val23702= (NM_133432.3); c.71307A>T, p.Val23769= (NM_133437.4).
Identifiers: ClinVar variation 389656 (VCV000389656.16), dbSNP rs766450778, ClinGen allele CA1986471.
Genomic context (GRCh38, chr2:178,540,240, plus strand): 5'-TAGAGTATACTCTCGAATCTTGGTTGGAGTGGTGTTACACTTGGTCCATTCATGTTGATC[T>A]ACTTTTTGCATTTCAATCAAGTAGCCTGTGACTTTAGATCCTCCTTCATCTTCTGGAACA-3'
Protein context (NP_001254479.2, residues 32632-32652): VTGYLIEMQK[Val32642=]DQHEWTKCNT